The following is an entry in ClinVar:

NM_001358530.2(MOCS1):c.106G>A (p.Ala36Thr)

Gene: MOCS1 (molybdenum cofactor synthesis 1; minus strand). Cytogenetic location: 6p21.2.
Variant type: single nucleotide variant.
Coding change: c.106G>A on transcript NM_001358530.2 (MANE Select); coding-DNA position 106, G replaced by A.
Protein change: p.Ala36Thr; replaces alanine 36 with threonine.
Molecular consequence: missense variant. On other transcripts: 5 prime UTR variant (2), non-coding transcript variant (1).
Genome position (GRCh38, 1-based): chr6:39,934,312, C>T on the plus strand (G>A on the coding strand, the complement: MOCS1 is on the minus strand). VCF-style: chr6-39934312-C-T. GRCh37 (hg19) VCF-style: chr6-39902051-C-T.
Other names: c.106G>A, p.Ala36Thr (NM_001075098.4, NM_001358529.2); c.-29G>A (NM_001358531.2, NM_001358533.2); short protein forms A36T.
Identifiers: ClinVar variation 1445334 (VCV001445334.8), dbSNP rs1421717640, ClinGen allele CA364030431.

ClinVar aggregate classification (germline): Uncertain significance (1 of 4 stars; one submission).

Conditions:
Sulfite oxidase deficiency due to molybdenum cofactor deficiency type A. Also called: Molybdenum Cofactor Deficiency A; Molybdenum cofactor deficiency, complementation group A. Identifiers: Orphanet 308386, Orphanet 833, MedGen C1854988, MONDO:0009643, OMIM 252150.

Allele frequency attached by ClinVar (database versions not stated): gnomAD exomes below 0.00001 and 0.00001; TOPMed 0.00001; gnomAD 0.00003.

Submission:

Labcorp Genetics (formerly Invitae), Labcorp
Classification: Uncertain significance for Sulfite oxidase deficiency due to molybdenum cofactor deficiency type A. Last evaluated: 2024-04-16. Review status: criteria provided, single submitter. Criteria: Invitae Variant Classification Sherloc (09022015). Collection method: clinical testing. Allele origin: germline.
Comment: This sequence change replaces alanine, which is neutral and non-polar, with threonine, which is neutral and polar, at codon 36 of the MOCS1 protein (p.Ala36Thr). The frequency data for this variant in the population databases is considered unreliable, as metrics indicate poor data quality at this position in the gnomAD database. This variant has not been reported in the literature in individuals affected with MOCS1-related conditions. ClinVar contains an entry for this variant (Variation ID: 1445334). An algorithm developed to predict the effect of missense changes on protein structure and function (PolyPhen-2) suggests that this variant is likely to be tolerated. In summary, the available evidence is currently insufficient to determine the role of this variant in disease. Therefore, it has been classified as a Variant of Uncertain Significance.